The following is an entry in ClinVar:

ClinVar aggregate classification (germline): Likely pathogenic (1 of 4 stars; one submission).

Conditions:
Upshaw-Schulman syndrome (TTP). Also called: Congenital thrombotic thrombocytopenic purpura; THROMBOTIC THROMBOCYTOPENIC PURPURA, HEREDITARY. Identifiers: Orphanet 93583, MedGen C1268935, MONDO:0010122, OMIM 274150.

gnomAD v4.1: 2 of 1,613,454 alleles (0.00012%); highest among the groups gnomAD compares: Non-Finnish European, 0.000085%; no homozygotes.

Submission:

MVZ Medizinische Genetik Mainz
Classification: Likely pathogenic for Upshaw-Schulman syndrome. Last evaluated: 2025-04-07. Review status: criteria provided, single submitter. Criteria: UK Practice Guidelines For Variant Classification V4 01 2020. Collection method: clinical testing. Allele origin: germline. Inheritance: Autosomal recessive inheritance. Affected: yes. Observed: 1 variant allele.
Comment: ACMG Criteria: PM3,PM5,PP3_MOD,PM2_SUP,PP4

NM_139027.6(ADAMTS13):c.3469T>C (p.Cys1157Arg)

Gene: ADAMTS13 (ADAM metallopeptidase with thrombospondin type 1 motif 13; plus strand). Cytogenetic location: 9q34.2.
Variant type: single nucleotide variant.
Coding change: c.3469T>C on transcript NM_139027.6 (MANE Select); coding-DNA position 3469, T replaced by C.
Protein change: p.Cys1157Arg; replaces cysteine 1157 with arginine.
Molecular consequence: missense variant. On other transcripts: non-coding transcript variant (1).
Genome position (GRCh38, 1-based): chr9:133,456,137, T>C. VCF-style: chr9-133456137-T-C. GRCh37 (hg19) VCF-style: chr9-136321259-T-C.
Other names: c.3637T>C, p.Cys1213Arg (NM_139025.5); c.3376T>C, p.Cys1126Arg (NM_139026.6); short protein forms C1126R, C1157R, C1213R.
Identifiers: ClinVar variation 3894576 (VCV003894576.1).